The following is an entry in ClinVar:

NM_002150.3(HPD):c.561C>G (p.Asn187Lys)

Genes: HPD (4-hydroxyphenylpyruvate dioxygenase; minus strand), TIALD (transcript inducer of AURKA lysosomal degradation; plus strand). Cytogenetic location: 12q24.31.
Variant type: single nucleotide variant.
Coding change: c.561C>G on transcript NM_002150.3 (MANE Select); coding-DNA position 561, C replaced by G.
Protein change: p.Asn187Lys; replaces asparagine 187 with lysine.
Molecular consequence: missense variant.
Genome position (GRCh38, 1-based): chr12:121,849,034, G>C on the plus strand (C>G on the coding strand, the complement: HPD is on the minus strand). VCF-style: chr12-121849034-G-C. GRCh37 (hg19) VCF-style: chr12-122286940-G-C.
Other names: c.444C>G, p.Asn148Lys (NM_001171993.2); short protein forms N187K, N148K.
Identifiers: ClinVar variation 854921 (VCV000854921.10), dbSNP rs1438994844, ClinGen allele CA387016257.

ClinVar aggregate classification (germline): Uncertain significance (1 of 4 stars; one submission).

Conditions:
Hawkinsinuria. Identifiers: Orphanet 2118, MedGen C2931042, MONDO:0007700, OMIM 140350, HP:0034457.
Tyrosinemia type III. Also called: Tyrosinemia type 3; 4-alpha hydroxyphenylpyruvic acid oxidase deficiency; 4-alpha hydroxyphenylpyruvate dioxygenase deficiency; 4-Hydroxyphenylpyruvate dioxygenase deficiency; 4-HYDROXYPHENYLPYRUVIC ACID OXIDASE DEFICIENCY. Identifiers: Orphanet 69723, MedGen C0268623, MONDO:0010162, OMIM 276710.

Allele frequency attached by ClinVar (database versions not stated): TOPMed below 0.00001.

Submission:

Labcorp Genetics (formerly Invitae), Labcorp
Classification: Uncertain significance for Tyrosinemia type III; Hawkinsinuria. Last evaluated: 2019-03-22. Review status: criteria provided, single submitter. Criteria: Invitae Variant Classification Sherloc (09022015). Collection method: clinical testing. Allele origin: germline.
Comment: In summary, the available evidence is currently insufficient to determine the role of this variant in disease. Therefore, it has been classified as a Variant of Uncertain Significance. Algorithms developed to predict the effect of missense changes on protein structure and function (SIFT, PolyPhen-2, Align-GVGD) all suggest that this variant is likely to be disruptive, but these predictions have not been confirmed by published functional studies and their clinical significance is uncertain. This variant has not been reported in the literature in individuals with HPD-related conditions. This variant is not present in population databases (ExAC no frequency). This sequence change replaces asparagine with lysine at codon 187 of the HPD protein (p.Asn187Lys). The asparagine residue is highly conserved and there is a moderate physicochemical difference between asparagine and lysine.